The following is an entry in ClinVar:

ClinVar aggregate classification (germline): Uncertain significance (1 of 4 stars; one submission).

Conditions:
Dyskeratosis congenita, autosomal dominant 2. Identifiers: MedGen C3151443, MONDO:0013521, OMIM 613989.
Idiopathic Pulmonary Fibrosis. Also called: Idiopathic fibrosing alveolitis, chronic form; idiopathic fibrosing alveolitis. Identifiers: Orphanet 2032, MedGen C1800706, MeSH D054990, MONDO:0800504.

Allele frequency attached by ClinVar (database versions not stated): ExAC below 0.00001; TOPMed 0.00002.

Submission:

Labcorp Genetics (formerly Invitae), Labcorp
Classification: Uncertain significance for Dyskeratosis congenita, autosomal dominant 2; Idiopathic Pulmonary Fibrosis. Last evaluated: 2022-12-15. Review status: criteria provided, single submitter. Criteria: Invitae Variant Classification Sherloc (09022015). Collection method: clinical testing. Allele origin: germline.
Comment: Advanced modeling of protein sequence and biophysical properties (such as structural, functional, and spatial information, amino acid conservation, physicochemical variation, residue mobility, and thermodynamic stability) performed at Invitae indicates that this missense variant is not expected to disrupt TERT protein function. In summary, the available evidence is currently insufficient to determine the role of this variant in disease. Therefore, it has been classified as a Variant of Uncertain Significance. ClinVar contains an entry for this variant (Variation ID: 946702). This sequence change replaces proline, which is neutral and non-polar, with serine, which is neutral and polar, at codon 421 of the TERT protein (p.Pro421Ser). This variant is not present in population databases (gnomAD no frequency). This variant has not been reported in the literature in individuals affected with TERT-related conditions.

NM_198253.3(TERT):c.1261C>T (p.Pro421Ser)

Gene: TERT (telomerase reverse transcriptase; minus strand). Cytogenetic location: 5p15.33.
Variant type: single nucleotide variant.
Coding change: c.1261C>T on transcript NM_198253.3 (MANE Select); coding-DNA position 1261, C replaced by T.
Protein change: p.Pro421Ser; replaces proline 421 with serine.
Molecular consequence: missense variant. On other transcripts: non-coding transcript variant (2).
Genome position (GRCh38, 1-based): chr5:1,293,625, G>A on the plus strand (C>T on the coding strand, the complement: TERT is on the minus strand). VCF-style: chr5-1293625-G-A. GRCh37 (hg19) VCF-style: chr5-1293740-G-A.
Other names: c.1261C>T, p.Pro421Ser (NM_001193376.3); short protein forms P421S.
Identifiers: ClinVar variation 946702 (VCV000946702.10), dbSNP rs773246847, ClinGen allele CA3184864.